The following is an entry in ClinVar:

ClinVar aggregate classification (germline): Uncertain significance. Review status: criteria provided, multiple submitters, no conflicts (2 of 4 stars). 2 submissions from 2 submitters: Uncertain significance (2). Last evaluated 2025-07-06.

Conditions:
Hereditary sensory and autonomic neuropathy type 6. Also called: HSAN VI; Neuropathy, hereditary sensory and autonomic, type VI. Identifiers: Orphanet 314381, MedGen C3539003, MONDO:0013839, OMIM 614653.
Epidermolysis bullosa simplex 3, localized or generalized intermediate, with BP230 deficiency (EBS3). Also called: Epidermolysis bullosa simplex due to BP230 deficiency; Epidermolysis bullosa simplex, autosomal recessive 2. Identifiers: Orphanet 412181, MedGen C3809470, MONDO:0014180, OMIM 615425.

Allele frequency attached by ClinVar (database versions not stated): TOPMed 0.00002; gnomAD 0.00003 and 0.00005; gnomAD exomes 0.00011; ExAC 0.00014; 1000 Genomes Project 30x 0.00016; 1000 Genomes Project 0.00020.
gnomAD v4.1: 97 of 1,614,024 alleles (0.006%); highest among the groups gnomAD compares: South Asian, 0.042%; no homozygotes.

Submissions (2):

Labcorp Genetics (formerly Invitae), Labcorp
Classification: Uncertain significance for Epidermolysis bullosa simplex 3, localized or generalized intermediate, with BP230 deficiency; Hereditary sensory and autonomic neuropathy type 6. Last evaluated: 2025-07-06. Review status: criteria provided, single submitter. Criteria: Invitae Variant Classification Sherloc (09022015). Collection method: clinical testing. Allele origin: germline.
Comment: This sequence change replaces arginine, which is basic and polar, with histidine, which is basic and polar, at codon 1404 of the DST protein (p.Arg1404His). This variant is present in population databases (rs201174310, gnomAD 0.04%). This variant has not been reported in the literature in individuals affected with DST-related conditions. ClinVar contains an entry for this variant (Variation ID: 839319). An algorithm developed to predict the effect of missense changes on protein structure and function (PolyPhen-2) suggests that this variant is likely to be tolerated. In summary, the available evidence is currently insufficient to determine the role of this variant in disease. Therefore, it has been classified as a Variant of Uncertain Significance.

GeneDx
Classification: Uncertain significance. Last evaluated: 2025-02-27. Review status: criteria provided, single submitter. Criteria: GeneDx Variant Classification Process June 2021. Collection method: clinical testing. Allele origin: germline. Affected: yes.
Comment: In silico analysis supports that this missense variant has a deleterious effect on protein structure/function; Has not been previously published as pathogenic or benign to our knowledge; Reported using the transcript encoding the epithelial isoform of the gene

NM_001723.7(DST):c.4211G>A (p.Arg1404His)

Gene: DST (dystonin; minus strand). Cytogenetic location: 6p12.1.
Variant type: single nucleotide variant.
Coding change: c.4211G>A on transcript NM_001723.7 (MANE Plus Clinical); coding-DNA position 4211, G replaced by A.
Protein change: p.Arg1404His; replaces arginine 1404 with histidine.
Molecular consequence: missense variant. On other transcripts: intron variant (10).
Genome position (GRCh38, 1-based): chr6:56,619,823, C>T on the plus strand (G>A on the coding strand, the complement: DST is on the minus strand). VCF-style: chr6-56619823-C-T. GRCh37 (hg19) VCF-style: chr6-56484621-C-T.
Other names: c.4830+4707G>A (NM_001144769.5); c.4929+4707G>A (NM_001374722.1, NM_001374736.1); c.4956+4707G>A (NM_001374734.1); c.4416+4707G>A (NM_001144770.2); c.4296+4707G>A (NM_001374730.1, NM_001386100.1, NM_183380.4 and 1 more transcripts); c.3318+4707G>A (NM_015548.5); short protein forms R1404H.
Identifiers: ClinVar variation 839319 (VCV000839319.9), dbSNP rs201174310, ClinGen allele CA3870570.